The following is an entry in ClinVar:

NM_020822.3(KCNT1):c.324C>A (p.Asn108Lys)

Gene: KCNT1 (potassium sodium-activated channel subfamily T member 1; plus strand). Cytogenetic location: 9q34.3.
Variant type: single nucleotide variant.
Coding change: c.324C>A on transcript NM_020822.3 (MANE Select); coding-DNA position 324, C replaced by A.
Protein change: p.Asn108Lys; replaces asparagine 108 with lysine.
Molecular consequence: missense variant.
Genome position (GRCh38, 1-based): chr9:135,750,167, C>A. VCF-style: chr9-135750167-C-A. GRCh37 (hg19) VCF-style: chr9-138642013-C-A.
Other names: c.180C>A, p.Asn60Lys (NM_001272003.2); short protein forms N60K, N108K.
Identifiers: ClinVar variation 2940551 (VCV002940551.3), dbSNP rs1479813399, ClinGen allele CA375494845.

ClinVar aggregate classification (germline): Uncertain significance (1 of 4 stars; one submission).

Conditions:
Autosomal dominant nocturnal frontal lobe epilepsy 5. Also called: Epilepsy, nocturnal frontal lobe, 5; CILIARY DYSKINESIA, PRIMARY, 28, WITHOUT SITUS INVERSUS; CILIARY DYSKINESIA, PRIMARY, 28, WITH SITUS INVERSUS; KCNT1-Related Epilepsy. Identifiers: Orphanet 98784, MedGen C3554306, MONDO:0014002, OMIM 615005.
Developmental and epileptic encephalopathy, 14 (DEE14). Also called: Early infantile epileptic encephalopathy 14. Identifiers: Orphanet 293181, MedGen C3554195, MONDO:0013989, OMIM 614959.

Submission:

Labcorp Genetics (formerly Invitae), Labcorp
Classification: Uncertain significance for Autosomal dominant nocturnal frontal lobe epilepsy 5; Developmental and epileptic encephalopathy, 14. Last evaluated: 2023-05-04. Review status: criteria provided, single submitter. Criteria: Invitae Variant Classification Sherloc (09022015). Collection method: clinical testing. Allele origin: germline.
Comment: Advanced modeling of protein sequence and biophysical properties (such as structural, functional, and spatial information, amino acid conservation, physicochemical variation, residue mobility, and thermodynamic stability) performed at Invitae indicates that this missense variant is expected to disrupt KCNT1 protein function. This variant has not been reported in the literature in individuals affected with KCNT1-related conditions. This variant is not present in population databases (gnomAD no frequency). This sequence change replaces asparagine, which is neutral and polar, with lysine, which is basic and polar, at codon 108 of the KCNT1 protein (p.Asn108Lys). In summary, the available evidence is currently insufficient to determine the role of this variant in disease. Therefore, it has been classified as a Variant of Uncertain Significance.